The following is an entry in ClinVar:

ClinVar aggregate classification (germline): Benign (1 of 4 stars; one submission).

Allele frequency attached by ClinVar (database versions not stated): 1000 Genomes Project 0.02117; 1000 Genomes Project 30x 0.02264; gnomAD 0.02331 and 0.02559; TOPMed 0.02747.
gnomAD v4.1: 3,527 of 152,174 alleles (2.3%); highest among the groups gnomAD compares: African/African-American, 8%; 139 homozygotes.

Submission:

GeneDx
Classification: Benign. Last evaluated: 2018-06-14. Review status: criteria provided, single submitter. Criteria: GeneDx Variant Classification (06012015). Collection method: clinical testing. Allele origin: germline. Affected: yes.
Comment: This variant is considered likely benign or benign based on one or more of the following criteria: it is a conservative change, it occurs at a poorly conserved position in the protein, it is predicted to be benign by multiple in silico algorithms, and/or has population frequency not consistent with disease.

NM_003383.5(VLDLR):c.326-270T>A

Gene: VLDLR (very low density lipoprotein receptor; plus strand). Cytogenetic location: 9p24.2.
Variant type: single nucleotide variant.
Coding change: c.326-270T>A on transcript NM_003383.5 (MANE Select); 270 bases into the intron before coding-DNA position 326, T replaced by A.
Molecular consequence: intron variant.
Genome position (GRCh38, 1-based): chr9:2,641,107, T>A. VCF-style: chr9-2641107-T-A. GRCh37 (hg19) VCF-style: chr9-2641107-T-A.
Other names: c.326-270T>A (NM_001018056.3); c.325+1126T>A (NM_001322225.2, NM_001322226.2).
Identifiers: ClinVar variation 672682 (VCV000672682.1), dbSNP rs35466361, ClinGen allele CA187951537.
Genomic context (GRCh38, chr9:2,641,107, plus strand): 5'-CATCCAACAGATAAATAGTGGTCTAGGAGCAGGCCAGCCAATAAACTTCACCACGCCAAG[T>A]AAAACAAAAGCCAGAACTGAGCACGCCATGGGACCTTGAAGGAGTGACGTGGTCAAAGCT-3'